The following is an entry in ClinVar:

NM_052867.4(NALCN):c.4976_4978dup (p.Asp1659dup)

Genes: NALCN (sodium leak channel, non-selective; minus strand), NALCN-AS1 (NALCN antisense RNA 1; plus strand). Cytogenetic location: 13q32.3.
Variant type: Duplication.
Coding change: c.4976_4978dup on transcript NM_052867.4 (MANE Select); coding-DNA positions 4976 to 4978, 3 bases duplicated (ACG; older notation c.4976_4978dupACG).
Protein change: p.Asp1659dup; duplicates aspartic acid 1659.
Molecular consequence: inframe insertion. On other transcripts: non-coding transcript variant (1).
Genome position (GRCh38, 1-based): chr13:101,057,984-101,057,986, CGT duplicated on the plus strand (ACG on the coding strand, the reverse complement: NALCN is on the minus strand); duplicating any 3 consecutive bases within chr13:101,057,984-101,057,988 gives the same sequence; the c. name uses the placement nearest the transcript's 3' end. VCF-style (leftmost placement, unchanged base first): chr13-101057983-G-GCGT. GRCh37 (hg19) VCF-style: chr13-101710335-G-GCGT.
Other names: c.5063_5065dup, p.Asp1688dup (NM_001350748.2); c.4976_4978dup, p.Asp1659dup (NM_001350749.2); c.4889_4891dup, p.Asp1630dup (NM_001350750.2, NM_001350751.2).
Identifiers: ClinVar variation 1183551 (VCV001183551.2), dbSNP rs1408917410, ClinGen allele CA694193777.
Genomic context (GRCh38, chr13:101,057,983, plus strand): 5'-GCCTGGATGGACCTACCTGAGGGCAGACGCCACTGCCCAAATTTCCTCTGGGGTTTCCCT[G>GCGT]CGTCGGCTGCATCTTGCCGACTTCCTCCTCGATCCGACAGCGTGGGGCTCAGGAGCTGCT-3'

ClinVar aggregate classification (germline): Uncertain significance (1 of 4 stars; one submission).

Submission:

GeneDx
Classification: Uncertain significance. Last evaluated: 2021-06-18. Review status: criteria provided, single submitter. Criteria: GeneDx Variant Classification Process June 2021. Collection method: clinical testing. Allele origin: germline. Affected: yes.
Comment: Not observed at significant frequency in large population cohorts (Lek et al., 2016); In-frame insertion of 1 amino acid in a non-repeat region; Has not been previously published as pathogenic or benign to our knowledge; This variant is associated with the following publications: (PMID: 27535533)